The following is an entry in ClinVar:

ClinVar aggregate classification (germline): Pathogenic. Review status: criteria provided, single submitter (1 of 4 stars). 2 submissions from 2 submitters: Pathogenic (1). 1 of the submissions does not count toward it. Last evaluated 2023-09-08.

Conditions:
Myofibrillar myopathy 5. Also called: Filaminopathy (type); FILAMINOPATHY, AUTOSOMAL DOMINANT. Identifiers: Orphanet 171445, MedGen C1836050, MONDO:0012289, OMIM 609524.
Hypertrophic cardiomyopathy 26. Also called: Cardiomyopathy, familial hypertrophic, 26. Identifiers: Orphanet 75249, MedGen C4310749, MONDO:0014883, OMIM 617047.
Distal myopathy with posterior leg and anterior hand involvement. Also called: WILLIAMS DISTAL MYOPATHY. Identifiers: Orphanet 63273, MedGen C3279722, MONDO:0013550, OMIM 614065.
FLNC-related disorder. Also called: FLNC-related disorders; FLNC-related condition.

Submissions (2):

Labcorp Genetics (formerly Invitae), Labcorp
Classification: Pathogenic for Distal myopathy with posterior leg and anterior hand involvement; Myofibrillar myopathy 5; Hypertrophic cardiomyopathy 26. Last evaluated: 2023-09-08. Review status: criteria provided, single submitter. Criteria: Invitae Variant Classification Sherloc (09022015). Collection method: clinical testing. Allele origin: germline.
Comment: For these reasons, this variant has been classified as Pathogenic. ClinVar contains an entry for this variant (Variation ID: 2036320). This variant has not been reported in the literature in individuals affected with FLNC-related conditions. This variant is not present in population databases (gnomAD no frequency). This sequence change creates a premature translational stop signal (p.Thr439Hisfs*30) in the FLNC gene. It is expected to result in an absent or disrupted protein product. Loss-of-function variants in FLNC are known to be pathogenic (PMID: 27908349).

PreventionGenetics, part of Exact Sciences
Classification: Likely pathogenic for FLNC-related condition. Last evaluated: 2023-10-26. Review status: no assertion criteria provided. Collection method: clinical testing. Allele origin: germline. Not counted in ClinVar's aggregate classification.
Comment: The FLNC c.1315_1328del14 variant is predicted to result in a frameshift and premature protein termination (p.Thr439Hisfs*30). To our knowledge, this variant has not been reported in the literature or in a large population database, indicating this variant is rare. Frameshift variants in FLNC are expected to be pathogenic. This variant is interpreted as likely pathogenic.

Literature cited by the submitters: PubMed 27908349 (cited by Labcorp Genetics (formerly Invitae), Labcorp).

NM_001458.5(FLNC):c.1315_1328del (p.Thr439fs)

Gene: FLNC (filamin C; plus strand). Cytogenetic location: 7q32.1.
Variant type: Deletion.
Coding change: c.1315_1328del on transcript NM_001458.5 (MANE Select); coding-DNA positions 1315 to 1328, 14 bases deleted (ACATACAGACCTGC).
Protein change: p.Thr439fs; shifts the reading frame from threonine 439.
Molecular consequence: frameshift variant.
Genome position (GRCh38, 1-based): chr7:128,838,707-128,838,720, ACATACAGACCTGC deleted; deleting any 14 consecutive bases within chr7:128,838,703-128,838,720 gives the same sequence; the c. name uses the placement nearest the transcript's 3' end. VCF-style (leftmost placement, unchanged base first): chr7-128838702-GCTGCACATACAGAC-G. GRCh37 (hg19) VCF-style: chr7-128478756-GCTGCACATACAGAC-G.
Other names: c.1315_1328del14 (NM_001458.4); c.1315_1328del, p.Thr439fs (NM_001127487.2); short protein forms T439fs.
Identifiers: ClinVar variation 2036320 (VCV002036320.6), dbSNP rs2536622272, ClinGen allele CA2580076605.